The following is an entry in ClinVar:

ClinVar aggregate classification (germline): Likely benign (1 of 4 stars; one submission).

Allele frequency attached by ClinVar (database versions not stated): gnomAD 0.00013; ExAC 0.00016; gnomAD exomes 0.00021.

Submission:

CeGaT Center for Human Genetics Tuebingen
Classification: Likely benign. Last evaluated: 2023-04-01. Review status: criteria provided, single submitter. Criteria: CeGaT Center For Human Genetics Tuebingen Variant Classification Criteria Version 2. Collection method: clinical testing. Allele origin: germline. Affected: yes. Observed: 1 variant allele.
Comment: ALDH16A1: BP4, BP7

NM_153329.4(ALDH16A1):c.1461C>T (p.Pro487=)

Gene: ALDH16A1 (aldehyde dehydrogenase 16 family member A1; plus strand). Cytogenetic location: 19q13.33.
Variant type: single nucleotide variant.
Coding change: c.1461C>T on transcript NM_153329.4 (MANE Select); coding-DNA position 1461, C replaced by T.
Protein change: p.Pro487=; no amino-acid change (proline 487 retained).
Molecular consequence: synonymous variant.
Genome position (GRCh38, 1-based): chr19:49,464,655, C>T. VCF-style: chr19-49464655-C-T. GRCh37 (hg19) VCF-style: chr19-49967912-C-T.
Other names: c.1308C>T, p.Pro436= (NM_001145396.2).
Identifiers: ClinVar variation 2650245 (VCV002650245.24), dbSNP rs200873076, ClinGen allele CA9574460.